The following is an entry in ClinVar:

ClinVar aggregate classification (germline): Uncertain significance (1 of 4 stars; one submission).

Conditions:
POLD1-related polyposis and colorectal cancer syndrome (CRCS10). Also called: Colorectal cancer 10; COLORECTAL CANCER, SUSCEPTIBILITY TO, ON CHROMOSOME 19q; Colorectal cancer, susceptibility to, 10. Identifiers: Orphanet 220460, MedGen C2675481, MONDO:0012953, OMIM 612591.

Submission:

Labcorp Genetics (formerly Invitae), Labcorp
Classification: Uncertain significance for POLD1-related polyposis and colorectal cancer syndrome. Last evaluated: 2022-11-08. Review status: criteria provided, single submitter. Criteria: Invitae Variant Classification Sherloc (09022015). Collection method: clinical testing. Allele origin: germline.
Comment: ClinVar contains an entry for this variant (Variation ID: 1042151). This variant has not been reported in the literature in individuals affected with POLD1-related conditions. This variant is not present in population databases (gnomAD no frequency). This sequence change replaces aspartic acid, which is acidic and polar, with glutamic acid, which is acidic and polar, at codon 953 of the POLD1 protein (p.Asp953Glu). Advanced modeling of protein sequence and biophysical properties (such as structural, functional, and spatial information, amino acid conservation, physicochemical variation, residue mobility, and thermodynamic stability) performed at Invitae indicates that this missense variant is expected to disrupt POLD1 protein function. In summary, the available evidence is currently insufficient to determine the role of this variant in disease. Therefore, it has been classified as a Variant of Uncertain Significance.

NM_002691.4(POLD1):c.2859C>G (p.Asp953Glu)

Gene: POLD1 (DNA polymerase delta 1, catalytic subunit; plus strand). Cytogenetic location: 19q13.33.
Variant type: single nucleotide variant.
Coding change: c.2859C>G on transcript NM_002691.4 (MANE Select); coding-DNA position 2859, C replaced by G.
Protein change: p.Asp953Glu; replaces aspartic acid 953 with glutamic acid.
Molecular consequence: missense variant. On other transcripts: non-coding transcript variant (1).
Genome position (GRCh38, 1-based): chr19:50,416,434, C>G. VCF-style: chr19-50416434-C-G. GRCh37 (hg19) VCF-style: chr19-50919691-C-G.
Other names: c.2859C>G, p.Asp953Glu (NM_001256849.1); c.2937C>G, p.Asp979Glu (NM_001308632.1); short protein forms D953E, D979E.
Identifiers: ClinVar variation 1042151 (VCV001042151.8), dbSNP rs1451419070, ClinGen allele CA406986340.